The following is an entry in ClinVar:

NM_017617.5(NOTCH1):c.751G>C (p.Gly251Arg)

Gene: NOTCH1 (notch receptor 1; minus strand). Cytogenetic location: 9q34.3.
Variant type: single nucleotide variant.
Coding change: c.751G>C on transcript NM_017617.5 (MANE Select); coding-DNA position 751, G replaced by C.
Protein change: p.Gly251Arg; replaces glycine 251 with arginine.
Molecular consequence: missense variant.
Genome position (GRCh38, 1-based): chr9:136,519,557, C>G on the plus strand (G>C on the coding strand, the complement: NOTCH1 is on the minus strand). VCF-style: chr9-136519557-C-G. GRCh37 (hg19) VCF-style: chr9-139414009-C-G.
Other names: p.Gly251Arg; short protein forms G251R.
Identifiers: ClinVar variation 2683093 (VCV002683093.1), dbSNP rs755667439, ClinGen allele CA375566871.

ClinVar aggregate classification (germline): Uncertain significance (1 of 4 stars; one submission).

Submission:

Mayo Clinic Laboratories, Mayo Clinic
Classification: Uncertain significance. Last evaluated: 2023-03-17. Review status: criteria provided, single submitter. Criteria: ACMG Guidelines, 2015. Collection method: clinical testing. Allele origin: germline. Observed: 2 variant alleles.
Comment: PP2, PP3, PM2_supporting